The following is an entry in ClinVar:

ClinVar aggregate classification (germline): Uncertain significance (1 of 4 stars; one submission).

Conditions:
Megaconial type congenital muscular dystrophy (MDCMC). Also called: CHKB-Related Muscle Diseases; MUSCULAR DYSTROPHY, CONGENITAL, WITH MITOCHONDRIAL STRUCTURAL ABNORMALITIES; CHKB-Related Muscular Dystrophy. Identifiers: Orphanet 280671, MedGen C1865233, MONDO:0011246, OMIM 602541.

Submission:

Diagnostics Services (NGS), CSIR - Centre For Cellular And Molecular Biology
Classification: Uncertain significance for Megaconial type congenital muscular dystrophy. Last evaluated: 2021-12-07. Review status: criteria provided, single submitter. Criteria: ACMG Guidelines, 2015. Collection method: clinical testing. Allele origin: unknown. Inheritance: Autosomal recessive inheritance. Affected: yes. Observed: 1 variant allele, 1 homozygote.
Comment: The c.785T>G variant is not present in publicly available population databases like 1000 Genomes, Exome Variant Server (EVS), Exome Aggregation Consortium (ExAC), Genome Aggregation Database (gnomAD) and dbSNP. The variant is not present in Indian Exome Database and in our in-house exome database. The variant was not earlier reported to ClinVar, Human Genome Mutation Database (HGMD) and/or OMIM databases, in any affected individuals. In-silico pathogenicity prediction programs like SIFT, Polyphen-2, MutationTaster2, CADD etc. predicted this variant to be likely deleterious, however these predictions have not been confirmed by any published functional studies.

NM_005198.5(CHKB):c.785T>G (p.Leu262Arg)

Genes: CHKB (choline kinase beta; minus strand), CHKB-CPT1B (CHKB-CPT1B readthrough (NMD candidate); minus strand). Cytogenetic location: 22q13.33.
Variant type: single nucleotide variant.
Coding change: c.785T>G on transcript NM_005198.5 (MANE Select); coding-DNA position 785, T replaced by G.
Protein change: p.Leu262Arg; replaces leucine 262 with arginine.
Molecular consequence: missense variant. On other transcripts: non-coding transcript variant (1).
Genome position (GRCh38, 1-based): chr22:50,580,223, A>C on the plus strand (T>G on the coding strand, the complement: CHKB is on the minus strand). VCF-style: chr22-50580223-A-C. GRCh37 (hg19) VCF-style: chr22-51018652-A-C.
Other names: short protein forms L262R.
Identifiers: ClinVar variation 1329500 (VCV001329500.3), dbSNP rs2146653235, ClinGen allele CA412198116.